The following is an entry in ClinVar:

ClinVar aggregate classification (germline): Uncertain significance. Review status: criteria provided, multiple submitters, no conflicts (2 of 4 stars). 2 submissions from 2 submitters: Uncertain significance (2). Last evaluated 2025-05-28.

Conditions:
Cardiovascular phenotype. Identifiers: MedGen CN230736.
Long QT syndrome (LQTS). Identifiers: MedGen C0023976, MeSH D008133, MONDO:0002442. Disease mechanism: loss of function. Inheritance: Various modes of inheritance.

Submissions (2):

Labcorp Genetics (formerly Invitae), Labcorp
Classification: Uncertain significance for Long QT syndrome. Last evaluated: 2025-05-28. Review status: criteria provided, single submitter. Criteria: Invitae Variant Classification Sherloc (09022015). Collection method: clinical testing. Allele origin: germline.
Comment: This sequence change replaces arginine, which is basic and polar, with serine, which is neutral and polar, at codon 888 of the CACNA1C protein (p.Arg888Ser). This variant is not present in population databases (gnomAD no frequency). This variant has not been reported in the literature in individuals affected with CACNA1C-related conditions. ClinVar contains an entry for this variant (Variation ID: 2416114). An algorithm developed to predict the effect of missense changes on protein structure and function (PolyPhen-2) suggests that this variant is likely to be disruptive. In summary, the available evidence is currently insufficient to determine the role of this variant in disease. Therefore, it has been classified as a Variant of Uncertain Significance.

Ambry Genetics
Classification: Uncertain significance for Cardiovascular phenotype. Last evaluated: 2024-01-03. Review status: criteria provided, single submitter. Criteria: Ambry Variant Classification Scheme 2023. Collection method: clinical testing. Allele origin: germline.
Comment: The p.R888S variant (also known as c.2664G>T) is located in coding exon 20 of the CACNA1C gene. The arginine at codon 888 is replaced by serine, an amino acid with dissimilar properties. This change occurs in the first base pair of coding exon 20. This amino acid position is not well conserved in available vertebrate species. In addition, the in silico prediction for this alteration is inconclusive. Since supporting evidence is limited at this time, the clinical significance of this alteration remains unclear.

NM_000719.7(CACNA1C):c.2664G>T (p.Arg888Ser)

Gene: CACNA1C (calcium voltage-gated channel subunit alpha1 C; plus strand). Cytogenetic location: 12p13.33.
Variant type: single nucleotide variant.
Coding change: c.2664G>T on transcript NM_000719.7 (MANE Select); coding-DNA position 2664, G replaced by T.
Protein change: p.Arg888Ser; replaces arginine 888 with serine.
Molecular consequence: missense variant.
Genome position (GRCh38, 1-based): chr12:2,595,874, G>T. VCF-style: chr12-2595874-G-T. GRCh37 (hg19) VCF-style: chr12-2705040-G-T.
Other names: c.2664G>T, p.Arg888Ser (NM_001129827.2, NM_001129829.2, NM_001129830.3 and 18 more transcripts); c.2655G>T, p.Arg885Ser (NM_001129844.2); short protein forms R885S, R888S.
Identifiers: ClinVar variation 2416114 (VCV002416114.8), dbSNP rs754046062, ClinGen allele CA383372365.